The following is an entry in ClinVar:

NM_003072.5(SMARCA4):c.3901A>T (p.Thr1301Ser)

Gene: SMARCA4 (SWI/SNF related BAF chromatin remodeling complex subunit ATPase 4; plus strand). Cytogenetic location: 19p13.2.
Variant type: single nucleotide variant.
Coding change: c.3901A>T on transcript NM_003072.5 (MANE Select); coding-DNA position 3901, A replaced by T.
Protein change: p.Thr1301Ser; replaces threonine 1301 with serine.
Molecular consequence: missense variant. On other transcripts: non-coding transcript variant (1).
Genome position (GRCh38, 1-based): chr19:11,034,150, A>T. VCF-style: chr19-11034150-A-T. GRCh37 (hg19) VCF-style: chr19-11144826-A-T.
Other names: c.3901A>T, p.Thr1301Ser (NM_001128844.3, NM_001128849.3, NM_001387283.1); c.3802A>T, p.Thr1268Ser (NM_001128845.2, NM_001128846.2, NM_001128847.4 and 3 more transcripts); short protein forms T1268S, T1301S.
Identifiers: ClinVar variation 2442715 (VCV002442715.2), dbSNP rs2515321851, ClinGen allele CA404067847.
Genomic context (GRCh38, chr19:11,034,150, plus strand): 5'-CCTCAGCGGCACTGACAGTTTGCAATCTTATAGGAGGAAGACGAGGTGCCCGACGACGAG[A>T]CCGTCAACCAGATGATCGCCCGGCACGAGGAGGAGTTTGATCTGTTCATGGTAAGCGCTG-3'
Protein context (NP_003063.2, residues 1291-1311): KEEDEVPDDE[Thr1301Ser]VNQMIARHEE

ClinVar aggregate classification (germline): Uncertain significance (1 of 4 stars; one submission).

Submission:

GeneDx
Classification: Uncertain significance. Last evaluated: 2024-11-11. Review status: criteria provided, single submitter. Criteria: GeneDx Variant Classification Process June 2021. Collection method: clinical testing. Allele origin: germline. Affected: yes.
Comment: Not observed at significant frequency in large population cohorts (gnomAD); In silico analysis supports that this missense variant has a deleterious effect on protein structure/function; Has not been previously published as pathogenic or benign to our knowledge